The following is an entry in ClinVar:

ClinVar aggregate classification (germline): Uncertain significance. Review status: criteria provided, multiple submitters, no conflicts (2 of 4 stars). 2 submissions from 2 submitters: Uncertain significance (2). Last evaluated 2022-02-09.

Conditions:
Epilepsy, progressive myoclonic, 1B. Also called: PME. Identifiers: Orphanet 308, MedGen C2676254, MONDO:0012904, OMIM 612437.

Allele frequency attached by ClinVar (database versions not stated): gnomAD 0.00001; ExAC 0.00002.
gnomAD v4.1: 15 of 1,613,808 alleles (0.00093%); highest among the groups gnomAD compares: South Asian, 0.016%; no homozygotes.

Submissions (2):

Labcorp Genetics (formerly Invitae), Labcorp
Classification: Uncertain significance for Epilepsy, progressive myoclonic, 1B. Last evaluated: 2022-02-09. Review status: criteria provided, single submitter. Criteria: Invitae Variant Classification Sherloc (09022015). Collection method: clinical testing. Allele origin: germline.
Comment: This sequence change replaces asparagine, which is neutral and polar, with lysine, which is basic and polar, at codon 715 of the PRICKLE1 protein (p.Asn715Lys). This variant is present in population databases (rs749541698, gnomAD 0.02%). This variant has not been reported in the literature in individuals affected with PRICKLE1-related conditions. Algorithms developed to predict the effect of missense changes on protein structure and function (SIFT, PolyPhen-2, Align-GVGD) all suggest that this variant is likely to be tolerated. In summary, the available evidence is currently insufficient to determine the role of this variant in disease. Therefore, it has been classified as a Variant of Uncertain Significance.

Ambry Genetics
Classification: Uncertain significance. Last evaluated: 2018-04-09. Review status: criteria provided, single submitter. Criteria: Ambry Variant Classification Scheme 2023. Collection method: clinical testing. Allele origin: germline.
Comment: The p.N715K variant (also known as c.2145T>A), located in coding exon 7 of the PRICKLE1 gene, results from a T to A substitution at nucleotide position 2145. The asparagine at codon 715 is replaced by lysine, an amino acid with similar properties. This amino acid position is not well conserved in available vertebrate species. In addition, this alteration is predicted to be tolerated by in silico analysis. Since supporting evidence is limited at this time, the clinical significance of this alteration remains unclear.

NM_153026.3(PRICKLE1):c.2145T>A (p.Asn715Lys)

Gene: PRICKLE1 (prickle planar cell polarity protein 1; minus strand). Cytogenetic location: 12q12.
Variant type: single nucleotide variant.
Coding change: c.2145T>A on transcript NM_153026.3 (MANE Select); coding-DNA position 2145, T replaced by A.
Protein change: p.Asn715Lys; replaces asparagine 715 with lysine.
Molecular consequence: missense variant.
Genome position (GRCh38, 1-based): chr12:42,460,160, A>T on the plus strand (T>A on the coding strand, the complement: PRICKLE1 is on the minus strand). VCF-style: chr12-42460160-A-T. GRCh37 (hg19) VCF-style: chr12-42853962-A-T.
Other names: c.2145T>A, p.Asn715Lys (NM_001144881.2, NM_001144882.2, NM_001144883.2); short protein forms N715K.
Identifiers: ClinVar variation 1786647 (VCV001786647.7), dbSNP rs749541698, ClinGen allele CA6519646.